The following is an entry in ClinVar:

NM_001005273.3(CHD3):c.1510G>A (p.Val504Met)

Gene: CHD3 (chromodomain helicase DNA binding protein 3; plus strand). Cytogenetic location: 17p13.1.
Variant type: single nucleotide variant.
Coding change: c.1510G>A on transcript NM_001005273.3 (MANE Select); coding-DNA position 1510, G replaced by A.
Protein change: p.Val504Met; replaces valine 504 with methionine.
Molecular consequence: missense variant.
Genome position (GRCh38, 1-based): chr17:7,895,345, G>A. VCF-style: chr17-7895345-G-A. GRCh37 (hg19) VCF-style: chr17-7798663-G-A.
Other names: c.1687G>A, p.Val563Met (NM_001005271.3); c.1510G>A, p.Val504Met (NM_005852.4); short protein forms V504M, V563M.
Identifiers: ClinVar variation 1321401 (VCV001321401.5), dbSNP rs752833740, ClinGen allele CA8362693.

ClinVar aggregate classification (germline): Uncertain significance. Review status: criteria provided, multiple submitters, no conflicts (2 of 4 stars). 2 submissions from 2 submitters: Uncertain significance (2). Last evaluated 2026-03-01.

Allele frequency attached by ClinVar (database versions not stated): ExAC 0.00001; gnomAD exomes 0.00001; TOPMed 0.00002.
gnomAD v4.1: 18 of 1,614,060 alleles (0.0011%); highest among the groups gnomAD compares: Admixed American, 0.0017%; no homozygotes.

Submissions (2):

CeGaT Center for Human Genetics Tuebingen
Classification: Uncertain significance. Last evaluated: 2026-03-01. Review status: criteria provided, single submitter. Criteria: CeGaT Center For Human Genetics Tuebingen Variant Classification Criteria Version 2. Collection method: clinical testing. Allele origin: germline. Affected: yes. Observed: 1 variant allele.

Women's Health and Genetics/Laboratory Corporation of America, LabCorp
Classification: Uncertain significance. Last evaluated: 2021-10-22. Review status: criteria provided, single submitter. Criteria: LabCorp Variant Classification Summary - May 2015. Collection method: clinical testing. Allele origin: germline.
Comment: Variant summary: CHD3 c.1510G>A (p.Val504Met) results in a conservative amino acid change in the encoded protein sequence. Five of five in-silico tools predict a benign effect of the variant on protein function. The variant allele was found at a frequency of 1.2e-05 in 250902 control chromosomes (gnomAD). The available data on variant occurrences in the general population are insufficient to allow any conclusion about variant significance. To our knowledge, no occurrence of c.1510G>A in individuals affected with Snijders Blok-Campeau Syndrome and no experimental evidence demonstrating its impact on protein function have been reported. No clinical diagnostic laboratories have submitted clinical-significance assessments for this variant to ClinVar after 2014. Based on the evidence outlined above, the variant was classified as uncertain significance.